The following is an entry in ClinVar:

NM_212482.4(FN1):c.2135C>T (p.Thr712Ile)

Gene: FN1 (fibronectin 1; minus strand). Cytogenetic location: 2q35.
Variant type: single nucleotide variant.
Coding change: c.2135C>T on transcript NM_212482.4 (MANE Select); coding-DNA position 2135, C replaced by T.
Protein change: p.Thr712Ile; replaces threonine 712 with isoleucine.
Molecular consequence: missense variant.
Genome position (GRCh38, 1-based): chr2:215,409,727, G>A on the plus strand (C>T on the coding strand, the complement: FN1 is on the minus strand). VCF-style: chr2-215409727-G-A. GRCh37 (hg19) VCF-style: chr2-216274450-G-A.
Other names: c.2135C>T, p.Thr712Ile (NM_001306129.2, NM_001306130.2, NM_001306131.2 and 13 more transcripts); short protein forms T712I.
Identifiers: ClinVar variation 1431968 (VCV001431968.6), dbSNP rs776191277, ClinGen allele CA2095055.

ClinVar aggregate classification (germline): Uncertain significance (1 of 4 stars; one submission).

Allele frequency attached by ClinVar (database versions not stated): gnomAD exomes below 0.00001 and 0.00001; ExAC 0.00001; gnomAD 0.00001; TOPMed 0.00002.
gnomAD v4.1: 21 of 1,613,990 alleles (0.0013%); highest among the groups gnomAD compares: Non-Finnish European, 0.0016%; no homozygotes.

Submission:

Labcorp Genetics (formerly Invitae), Labcorp
Classification: Uncertain significance. Last evaluated: 2025-12-08. Review status: criteria provided, single submitter. Criteria: Invitae Variant Classification Sherloc (09022015). Collection method: clinical testing. Allele origin: germline.
Comment: This sequence change replaces threonine, which is neutral and polar, with isoleucine, which is neutral and non-polar, at codon 712 of the FN1 protein (p.Thr712Ile). This variant is present in population databases (rs776191277, gnomAD 0.0009%). This variant has not been reported in the literature in individuals affected with FN1-related conditions. ClinVar contains an entry for this variant (Variation ID: 1431968). An algorithm developed to predict the effect of missense changes on protein structure and function (PolyPhen-2) suggests that this variant is likely to be tolerated. In summary, the available evidence is currently insufficient to determine the role of this variant in disease. Therefore, it has been classified as a Variant of Uncertain Significance.